The following is an entry in ClinVar:

ClinVar aggregate classification (germline): Uncertain significance (1 of 4 stars; one submission).

Allele frequency attached by ClinVar (database versions not stated): gnomAD 0.00001; gnomAD exomes 0.00001; TOPMed 0.00001; ExAC 0.00002.
gnomAD v4.1: 4 of 1,613,692 alleles (0.00025%); highest among the groups gnomAD compares: Admixed American, 0.0033%; no homozygotes.

Submission:

Labcorp Genetics (formerly Invitae), Labcorp
Classification: Uncertain significance. Last evaluated: 2021-08-30. Review status: criteria provided, single submitter. Criteria: Invitae Variant Classification Sherloc (09022015). Collection method: clinical testing. Allele origin: germline.
Comment: This sequence change replaces glycine with serine at codon 159 of the HJV protein (p.Gly159Ser). The glycine residue is highly conserved and there is a small physicochemical difference between glycine and serine. This variant is present in population databases (rs782644173, ExAC 0.01%). This variant has not been reported in the literature in individuals affected with HJV-related conditions. Algorithms developed to predict the effect of missense changes on protein structure and function output the following: SIFT: "Tolerated"; PolyPhen-2: "Probably Damaging"; Align-GVGD: "Class C0". The serine amino acid residue is found in multiple mammalian species, which suggests that this missense change does not adversely affect protein function. Algorithms developed to predict the effect of sequence changes on RNA splicing suggest that this variant may create or strengthen a splice site. In summary, the available evidence is currently insufficient to determine the role of this variant in disease. Therefore, it has been classified as a Variant of Uncertain Significance.

NM_213653.4(HJV):c.475G>A (p.Gly159Ser)

Gene: HJV (hemojuvelin BMP co-receptor; minus strand). Cytogenetic location: 1q21.1.
Variant type: single nucleotide variant.
Coding change: c.475G>A on transcript NM_213653.4 (MANE Select); coding-DNA position 475, G replaced by A.
Protein change: p.Gly159Ser; replaces glycine 159 with serine.
Molecular consequence: missense variant. On other transcripts: intron variant (3).
Genome position (GRCh38, 1-based): chr1:146,019,357, C>T on the plus strand (G>A on the coding strand, the complement: HJV is on the minus strand). VCF-style: chr1-146019357-C-T. GRCh37 (hg19) VCF-style: chr1-145415656-G-A.
Other names: c.475G>A, p.Gly159Ser (NM_001379352.1); c.136G>A, p.Gly46Ser (NM_145277.5); c.-21-657G>A (NM_213652.4); c.-22+341G>A (NM_202004.4, NM_001316767.2); short protein forms G159S, G46S.
Identifiers: ClinVar variation 2041665 (VCV002041665.1), dbSNP rs782644173, ClinGen allele CA1053829.